The following is an entry in ClinVar:

ClinVar aggregate classification (germline): Likely benign (0 of 4 stars; one submission).

Conditions:
SPEN-related disorder. Also called: SPEN-related condition.

gnomAD v4.1: 30 of 1,614,034 alleles (0.0019%); highest among the groups gnomAD compares: Admixed American, 0.04%; no homozygotes.

Submission:

PreventionGenetics, part of Exact Sciences
Classification: Likely benign for SPEN-related condition. Last evaluated: 2024-06-04. Review status: no assertion criteria provided. Collection method: clinical testing. Allele origin: germline.
Comment: This variant is classified as likely benign based on ACMG/AMP sequence variant interpretation guidelines (Richards et al. 2015 PMID: 25741868, with internal and published modifications).

NM_015001.3(SPEN):c.3773C>G (p.Thr1258Ser)

Gene: SPEN (spen family transcriptional repressor; plus strand). Cytogenetic location: 1p36.13.
Variant type: single nucleotide variant.
Coding change: c.3773C>G on transcript NM_015001.3 (MANE Select); coding-DNA position 3773, C replaced by G.
Protein change: p.Thr1258Ser; replaces threonine 1258 with serine.
Molecular consequence: missense variant.
Genome position (GRCh38, 1-based): chr1:15,930,013, C>G. VCF-style: chr1-15930013-C-G. GRCh37 (hg19) VCF-style: chr1-16256508-C-G.
Other names: short protein forms T1258S.
Identifiers: ClinVar variation 3357809 (VCV003357809.1).